The following is an entry in ClinVar:

ClinVar aggregate classification (germline): Conflicting classifications of pathogenicity. Review status: criteria provided, conflicting classifications (1 of 4 stars). 13 submissions from 9 submitters: Uncertain significance (10); Likely benign (2). 1 of the submissions does not count toward it. Last evaluated 2026-09-08.

Conditions:
Inborn genetic diseases. Identifiers: MedGen C0950123, MeSH D030342.
Leber congenital amaurosis (LCA). Also called: Leber's amaurosis. Identifiers: Orphanet 65, MedGen C0339527, MeSH D057130, MONDO:0018998.
CEP290-related disorder. Also called: CEP290-related disorders; CEP290-related condition. Identifiers: MedGen CN239314.
Nephronophthisis. Also called: Juvenile Nephronophthisis. Identifiers: Orphanet 655, MedGen C0687120, MONDO:0019005, HP:0000090.
Meckel-Gruber syndrome. Also called: DYSENCEPHALIA SPLANCHNOCYSTICA; GRUBER SYNDROME; Dysencephalia splachnocystica. Identifiers: Orphanet 564, MedGen C0265215, MONDO:0018921.
Joubert syndrome. Also called: Familial aplasia of the vermis; JOUBERT-BOLTSHAUSER SYNDROME. Identifiers: Orphanet 475, MedGen C5979921, MONDO:0018772.
Meckel syndrome, type 4 (MKS4). Also called: MECKEL-GRUBER SYNDROME, TYPE 4. Identifiers: Orphanet 564, MedGen C1970161, MONDO:0012626, OMIM 611134.
Joubert syndrome 5 (JBTS5). Identifiers: Orphanet 2318, MedGen C1857780, MONDO:0012432, OMIM 610188.
Senior-Loken syndrome 6 (SLSN6). Identifiers: Orphanet 3156, MedGen C1857779, MONDO:0012433, OMIM 610189.
Leber congenital amaurosis 10 (LCA10). Identifiers: Orphanet 65, MedGen C1857821, MONDO:0012723, OMIM 611755.
Bardet-Biedl syndrome 14 (BBS14). Identifiers: Orphanet 110, MedGen C2673874, MONDO:0014442, OMIM 615991.

Allele frequency attached by ClinVar (database versions not stated): gnomAD exomes 0.00011; ExAC 0.00026; gnomAD 0.00032 and 0.00036; ESP Exome Variant Server 0.00035; TOPMed 0.00040.
gnomAD v4.1: 74 of 1,199,636 alleles (0.0062%); highest among the groups gnomAD compares: African/African-American, 0.11%; no homozygotes.

Submissions (13):

PreventionGenetics, part of Exact Sciences
Classification: Uncertain significance for CEP290-related condition. Last evaluated: 2026-09-08. Review status: criteria provided, single submitter. Criteria: ACMG Guidelines, 2015. Collection method: clinical testing. Allele origin: germline.
Comment: The CEP290 c.2479C>G variant is predicted to result in the amino acid substitution p.Leu827Val. To our knowledge, this variant has not been reported in the literature. This variant is reported in 0.14% of alleles in individuals of African descent in gnomAD, which is likely too common to be a disease-causing variant. Although we suspect that this variant may be benign, at this time, the clinical significance of this variant is uncertain due to the absence of conclusive functional and genetic evidence.

Labcorp Genetics (formerly Invitae), Labcorp
Classification: Likely benign for Joubert syndrome; Meckel-Gruber syndrome; Nephronophthisis. Last evaluated: 2026-01-20. Review status: criteria provided, single submitter. Criteria: Invitae Variant Classification Sherloc (09022015). Collection method: clinical testing. Allele origin: germline.

Women's Health and Genetics/Laboratory Corporation of America, LabCorp
Classification: Likely benign. Last evaluated: 2025-03-24. Review status: criteria provided, single submitter. Criteria: LabCorp Variant Classification Summary - May 2015. Collection method: clinical testing. Allele origin: germline.
Comment: Variant summary: CEP290 c.2479C>G (p.Leu827Val) results in a conservative amino acid change in the encoded protein sequence. Five of five in-silico tools predict a benign effect of the variant on protein function. The variant allele was found at a frequency of 0.00011 in 138948 control chromosomes, predominantly at a frequency of 0.0017 within the African or African-American subpopulation in the gnomAD database. The observed variant frequency within African or African-American control individuals in the gnomAD database is approximately 2 fold of the estimated maximal expected allele frequency for a pathogenic variant in CEP290 causing Meckel Syndrome Type 4 phenotype (0.0011). To our knowledge, no occurrence of c.2479C>G in individuals affected with Meckel Syndrome Type 4 and no experimental evidence demonstrating its impact on protein function have been reported. ClinVar contains an entry for this variant (Variation ID: 569343). Based on the evidence outlined above, the variant was classified as likely benign.

Ambry Genetics
Classification: Uncertain significance for Inborn genetic diseases. Last evaluated: 2024-11-09. Review status: criteria provided, single submitter. Criteria: Ambry Variant Classification Scheme 2023. Collection method: clinical testing. Allele origin: germline.

Blueprint Genetics
Classification: Uncertain significance. Last evaluated: 2024-03-11. Review status: criteria provided, single submitter. Criteria: ACMG Guidelines, 2015. Collection method: clinical testing. Allele origin: germline.

Fulgent Genetics
Classification: Uncertain significance for Joubert syndrome 5; Senior-Loken syndrome 6; Meckel syndrome, type 4; Leber congenital amaurosis 10; Bardet-Biedl syndrome 14. Last evaluated: 2024-01-13. Review status: criteria provided, single submitter. Criteria: ACMG Guidelines, 2015. Collection method: clinical testing. Allele origin: germline.

GeneDx
Classification: Uncertain significance. Last evaluated: 2020-11-03. Review status: criteria provided, single submitter. Criteria: GeneDx Variant Classification Process June 2021. Collection method: clinical testing. Allele origin: germline. Affected: yes.
Comment: In silico analysis supports a deleterious effect on splicing; Has not been previously published as pathogenic or benign to our knowledge

Illumina Laboratory Services, Illumina
Classification: Uncertain significance for Leber congenital amaurosis 10. Last evaluated: 2018-01-13. Review status: criteria provided, single submitter. Criteria: ICSL Variant Classification Criteria 13 December 2019. Collection method: clinical testing. Allele origin: germline.

Illumina Laboratory Services, Illumina
Classification: Uncertain significance for Bardet-Biedl syndrome 14. Last evaluated: 2018-01-13. Review status: criteria provided, single submitter. Criteria: ICSL Variant Classification Criteria 13 December 2019. Collection method: clinical testing. Allele origin: germline.

Illumina Laboratory Services, Illumina
Classification: Uncertain significance for Joubert syndrome 5. Last evaluated: 2018-01-13. Review status: criteria provided, single submitter. Criteria: ICSL Variant Classification Criteria 13 December 2019. Collection method: clinical testing. Allele origin: germline.

Illumina Laboratory Services, Illumina
Classification: Uncertain significance for Meckel syndrome, type 4. Last evaluated: 2018-01-13. Review status: criteria provided, single submitter. Criteria: ICSL Variant Classification Criteria 13 December 2019. Collection method: clinical testing. Allele origin: germline.

Illumina Laboratory Services, Illumina
Classification: Uncertain significance for Senior-Loken syndrome 6. Last evaluated: 2018-01-13. Review status: criteria provided, single submitter. Criteria: ICSL Variant Classification Criteria 13 December 2019. Collection method: clinical testing. Allele origin: germline.

Natera, Inc.
Classification: Uncertain significance for Leber congenital amaurosis. Last evaluated: 2019-10-28. Review status: no assertion criteria provided. Collection method: clinical testing. Allele origin: germline. Not counted in ClinVar's aggregate classification.

NM_025114.4(CEP290):c.2479C>G (p.Leu827Val)

Gene: CEP290 (centrosomal protein 290; minus strand). Cytogenetic location: 12q21.32.
Variant type: single nucleotide variant.
Coding change: c.2479C>G on transcript NM_025114.4 (MANE Select); coding-DNA position 2479, C replaced by G.
Protein change: p.Leu827Val; replaces leucine 827 with valine.
Molecular consequence: missense variant.
Genome position (GRCh38, 1-based): chr12:88,109,070, G>C on the plus strand (C>G on the coding strand, the complement: CEP290 is on the minus strand). VCF-style: chr12-88109070-G-C. GRCh37 (hg19) VCF-style: chr12-88502847-G-C.
Other names: short protein forms L827V.
Identifiers: ClinVar variation 569343 (VCV000569343.23), dbSNP rs201569048, ClinGen allele CA6712327.